The following is an entry in ClinVar:

NM_012310.5(KIF4A):c.3324G>A (p.Val1108=)

Gene: KIF4A (kinesin family member 4A; plus strand). Cytogenetic location: Xq13.1.
Variant type: single nucleotide variant.
Coding change: c.3324G>A on transcript NM_012310.5 (MANE Select); coding-DNA position 3324, G replaced by A.
Protein change: p.Val1108=; no amino-acid change (valine 1108 retained).
Molecular consequence: synonymous variant.
Genome position (GRCh38, 1-based): chrX:70,417,956, G>A. VCF-style: chrX-70417956-G-A. GRCh37 (hg19) VCF-style: chrX-69637806-G-A.
Identifiers: ClinVar variation 3047826 (VCV003047826.2), dbSNP rs1018533033, ClinGen allele CA330972978.

ClinVar aggregate classification (germline): Likely benign (0 of 4 stars; one submission).

Conditions:
KIF4A-related disorder. Also called: KIF4A-related condition.

Allele frequency attached by ClinVar (database versions not stated): gnomAD exomes below 0.00001; gnomAD 0.00001; TOPMed 0.00001.
gnomAD v4.1: 5 of 1,209,650 alleles (0.00041%); highest among the groups gnomAD compares: Non-Finnish European, 0.00056%; no homozygotes.

Submission:

PreventionGenetics, part of Exact Sciences
Classification: Likely benign for KIF4A-related condition. Last evaluated: 2019-03-14. Review status: no assertion criteria provided. Collection method: clinical testing. Allele origin: germline.
Comment: This variant is classified as likely benign based on ACMG/AMP sequence variant interpretation guidelines (Richards et al. 2015 PMID: 25741868, with internal and published modifications).